The following is an entry in ClinVar:

ClinVar aggregate classification (germline): Pathogenic (1 of 4 stars; one submission).

Submission:

Labcorp Genetics (formerly Invitae), Labcorp
Classification: Pathogenic. Last evaluated: 2023-08-18. Review status: criteria provided, single submitter. Criteria: Invitae Variant Classification Sherloc (09022015). Collection method: clinical testing. Allele origin: germline.
Comment: This sequence change creates a premature translational stop signal (p.Cys25Profs*119) in the LAMA3 gene. It is expected to result in an absent or disrupted protein product. Loss-of-function variants in LAMA3 are known to be pathogenic (PMID: 10366601, 11810295, 12915477, 16473856, 17362460, 22434185, 23869449, 27827380, 28087116). This variant is not present in population databases (gnomAD no frequency). This variant has not been reported in the literature in individuals affected with LAMA3-related conditions. For these reasons, this variant has been classified as Pathogenic.

Literature cited by the submitters: PubMed 10366601; PubMed 11810295; PubMed 12915477; PubMed 16473856; PubMed 17362460; PubMed 22434185; PubMed 23869449; PubMed 27827380; PubMed 28087116.

NM_000227.6(LAMA3):c.62_72dup (p.Cys25fs)

Genes: LAMA3 (laminin subunit alpha 3; plus strand), LOC126862707 (MED14-independent group 3 enhancer GRCh37_chr18:21452354-21453553; plus strand). Cytogenetic location: 18q11.2.
Variant type: Duplication.
Coding change: c.62_72dup on transcript NM_000227.6 (MANE Plus Clinical); coding-DNA positions 62 to 72, 11 bases duplicated (CCCTGGGGCAG).
Protein change: p.Cys25fs; shifts the reading frame from cysteine 25.
Molecular consequence: frameshift variant. On other transcripts: intron variant (2).
Genome position (GRCh38, 1-based): chr18:23,873,106-23,873,116, CCCTGGGGCAG duplicated; duplicating any 11 consecutive bases within chr18:23,873,098-23,873,116 gives the same sequence; the c. name uses the placement nearest the transcript's 3' end. VCF-style (leftmost placement, unchanged base first): chr18-23873097-T-TTGGGGCAGCCC. GRCh37 (hg19) VCF-style: chr18-21453061-T-TTGGGGCAGCCC.
Other names: c.62_72dup, p.Cys25fs (NM_001127718.4); c.4998+1445_4998+1455dup (NM_198129.4, NM_001127717.4); short protein forms C25fs.
Identifiers: ClinVar variation 2753814 (VCV002753814.3), dbSNP rs2511224897, ClinGen allele CA2697555345.